The following is an entry in ClinVar:

NM_004484.4(GPC3):c.61C>A (p.Pro21Thr)

Gene: GPC3 (glypican 3; minus strand). Cytogenetic location: Xq26.2.
Variant type: single nucleotide variant.
Coding change: c.61C>A on transcript NM_004484.4 (MANE Select); coding-DNA position 61, C replaced by A.
Protein change: p.Pro21Thr; replaces proline 21 with threonine.
Molecular consequence: missense variant.
Genome position (GRCh38, 1-based): chrX:133,985,389, G>T on the plus strand (C>A on the coding strand, the complement: GPC3 is on the minus strand). VCF-style: chrX-133985389-G-T. GRCh37 (hg19) VCF-style: chrX-133119416-G-T.
Other names: c.61C>A, p.Pro21Thr (NM_001164617.2, NM_001164618.2, NM_001164619.2); short protein forms P21T.
Identifiers: ClinVar variation 1017875 (VCV001017875.9), dbSNP rs2076563698, ClinGen allele CA414707121.

ClinVar aggregate classification (germline): Uncertain significance (1 of 4 stars; one submission).

Conditions:
Wilms tumor 1 (WT1). Also called: Wilms tumor, somatic. Identifiers: Orphanet 654, MedGen CN033288, MONDO:0008679, OMIM 194070.

Submission:

Labcorp Genetics (formerly Invitae), Labcorp
Classification: Uncertain significance for Wilms tumor 1. Last evaluated: 2023-10-11. Review status: criteria provided, single submitter. Criteria: Invitae Variant Classification Sherloc (09022015). Collection method: clinical testing. Allele origin: germline.
Comment: This sequence change replaces proline, which is neutral and non-polar, with threonine, which is neutral and polar, at codon 21 of the GPC3 protein (p.Pro21Thr). This variant is not present in population databases (gnomAD no frequency). This variant has not been reported in the literature in individuals affected with GPC3-related conditions. ClinVar contains an entry for this variant (Variation ID: 1017875). An algorithm developed to predict the effect of missense changes on protein structure and function (PolyPhen-2) suggests that this variant is likely to be tolerated. In summary, the available evidence is currently insufficient to determine the role of this variant in disease. Therefore, it has been classified as a Variant of Uncertain Significance.